The following is an entry in ClinVar:

NM_000092.5(COL4A4):c.1544G>T (p.Gly515Val)

Gene: COL4A4 (collagen type IV alpha 4 chain; minus strand). Cytogenetic location: 2q36.3.
Variant type: single nucleotide variant.
Coding change: c.1544G>T on transcript NM_000092.5 (MANE Select); coding-DNA position 1544, G replaced by T.
Protein change: p.Gly515Val; replaces glycine 515 with valine.
Molecular consequence: missense variant.
Genome position (GRCh38, 1-based): chr2:227,088,732, C>A on the plus strand (G>T on the coding strand, the complement: COL4A4 is on the minus strand). VCF-style: chr2-227088732-C-A. GRCh37 (hg19) VCF-style: chr2-227953448-C-A.
Other names: short protein forms G515V.
Identifiers: ClinVar variation 1179058 (VCV001179058.4), dbSNP rs2150595484, ClinGen allele CA350849900.

ClinVar aggregate classification (germline): Conflicting classifications of pathogenicity. Review status: criteria provided, conflicting classifications (1 of 4 stars). 3 submissions from 3 submitters: Likely pathogenic (2); Uncertain significance (1). Last evaluated 2025-09-15.

Conditions:
Autosomal recessive Alport syndrome (ATS2). Also called: COL4A4 Alport Syndrome and Thin Basement Membrane Nephropathy; ALPORT SYNDROME 2, AUTOSOMAL RECESSIVE; Alport syndrome type 2; COL4A3-Related Nephropathy. Identifiers: Orphanet 63, Orphanet 88919, MedGen C4746745, MONDO:0008762, OMIM 203780.
Benign familial hematuria. Also called: thin basement membrane disease. Identifiers: MedGen C0241908, MONDO:0957317.
COL4A4-related disorder.

Submissions (3):

PreventionGenetics, part of Exact Sciences
Classification: Likely pathogenic for COL4A4-related condition. Last evaluated: 2025-09-15. Review status: criteria provided, single submitter. Criteria: ACMG Guidelines, 2015. Collection method: clinical testing. Allele origin: germline.
Comment: The COL4A4 c.1544G>T variant is predicted to result in the amino acid substitution p.Gly515Val. This variant has been reported in a large cohort study of individuals with chronic kidney disease (Table S3. Bleyer et al. 2022. PubMed ID: 35325889). The Gly515Val variant affects a Gly residue of the conserved triple helical domain (residues 65 – 1459) of the COL4A4 protein. The majority of pathogenic variants in COL4A4 substitute a glycine residue to a bulkier amino acid in the triple-helical domain (Hudson et al. 1993. PubMed ID: 8253711). This variant has not been reported in a large population database (gnomAD), indicating this variant is rare. This variant is interpreted as likely pathogenic.

Women's Health and Genetics/Laboratory Corporation of America, LabCorp
Classification: Uncertain significance. Last evaluated: 2024-08-12. Review status: criteria provided, single submitter. Criteria: LabCorp Variant Classification Summary - May 2015. Collection method: clinical testing. Allele origin: germline.
Comment: Variant summary: COL4A4 c.1544G>T (p.Gly515Val) results in a non-conservative amino acid change in the encoded protein sequence. Five of five in-silico tools predict a damaging effect of the variant on protein function. The variant was absent in 249114 control chromosomes. The available data on variant occurrences in the general population are insufficient to allow any conclusion about variant significance. c.1544G>T has been reported in the literature in an unspecified number of individual(s) affected with chronic kidney disease (Bleyer_2022). These report(s) do not provide unequivocal conclusions about association of the variant with Alport Syndrome, Autosomal Recessive. To our knowledge, no experimental evidence demonstrating an impact on protein function has been reported. The following publication have been ascertained in the context of this evaluation (PMID: 35325889). ClinVar contains an entry for this variant (Variation ID: 1179058). Based on the evidence outlined above, the variant was classified as uncertain significance.

Fulgent Genetics
Classification: Likely pathogenic for Hematuria, benign familial, 1; Autosomal recessive Alport syndrome. Last evaluated: 2021-06-30. Review status: criteria provided, single submitter. Criteria: ACMG Guidelines, 2015. Collection method: clinical testing. Allele origin: unknown.
Comment: This variant has been detected in individual(s) who were sent for testing of Renasight - kidney gene panel.

Literature cited by the submitters: PubMed 35325889 (cited by Women's Health and Genetics/Laboratory Corporation of America, LabCorp).